The following is an entry in ClinVar:

NM_001145715.3(KPNA7):c.1226C>T (p.Ser409Phe)

Gene: KPNA7 (karyopherin subunit alpha 7; minus strand). Cytogenetic location: 7q22.1.
Variant type: single nucleotide variant.
Coding change: c.1226C>T on transcript NM_001145715.3 (MANE Select); coding-DNA position 1226, C replaced by T.
Protein change: p.Ser409Phe; replaces serine 409 with phenylalanine.
Molecular consequence: missense variant.
Genome position (GRCh38, 1-based): chr7:99,181,974, G>A on the plus strand (C>T on the coding strand, the complement: KPNA7 is on the minus strand). VCF-style: chr7-99181974-G-A. GRCh37 (hg19) VCF-style: chr7-98779597-G-A.
Other names: c.1226C>T (NM_001145715.1); short protein forms S409F.
Identifiers: ClinVar variation 1461410 (VCV001461410.5), dbSNP rs1202461014, ClinGen allele CA368418060.
Genomic context (GRCh38, chr7:99,181,974, plus strand): 5'-ATGAGAACAATTTTAACATCTGGGGCAGTGAGCAGATTCACCAGTGGCTCCAGGACCCCA[G>A]AGTGGACGAGCTGGATCAGCTGATCCATGGTGGCCCCTGTTGCAAAGTTCGCCACCATCC-3'
Protein context (NP_001139187.1, residues 399-419): TMDQLIQLVH[Ser409Phe]GVLEPLVNLL

ClinVar aggregate classification (germline): Uncertain significance. Review status: criteria provided, multiple submitters, no conflicts (2 of 4 stars). 2 submissions from 2 submitters: Uncertain significance (2). Last evaluated 2025-06-07.

Submissions (2):

Ambry Genetics
Classification: Uncertain significance. Last evaluated: 2025-06-07. Review status: criteria provided, single submitter. Criteria: Ambry Variant Classification Scheme 2023. Collection method: clinical testing. Allele origin: germline.

Labcorp Genetics (formerly Invitae), Labcorp
Classification: Uncertain significance. Last evaluated: 2022-07-12. Review status: criteria provided, single submitter. Criteria: Invitae Variant Classification Sherloc (09022015). Collection method: clinical testing. Allele origin: germline.
Comment: In summary, the available evidence is currently insufficient to determine the role of this variant in disease. Therefore, it has been classified as a Variant of Uncertain Significance. Algorithms developed to predict the effect of missense changes on protein structure and function output the following: SIFT: "Deleterious"; PolyPhen-2: "Benign"; Align-GVGD: "Class C0". The phenylalanine amino acid residue is found in multiple mammalian species, which suggests that this missense change does not adversely affect protein function. ClinVar contains an entry for this variant (Variation ID: 1461410). This variant has not been reported in the literature in individuals affected with KPNA7-related conditions. This variant is not present in population databases (gnomAD no frequency). This sequence change replaces serine, which is neutral and polar, with phenylalanine, which is neutral and non-polar, at codon 409 of the KPNA7 protein (p.Ser409Phe).